The following is an entry in ClinVar:

NM_005527.4(HSPA1L):c.1314C>G (p.Pro438=)

Gene: HSPA1L (heat shock protein family A (Hsp70) member 1 like; minus strand). Cytogenetic location: 6p21.33.
Variant type: single nucleotide variant.
Coding change: c.1314C>G on transcript NM_005527.4 (MANE Select); coding-DNA position 1314, C replaced by G.
Protein change: p.Pro438=; no amino-acid change (proline 438 retained).
Molecular consequence: synonymous variant.
Genome position (GRCh38, 1-based): chr6:31,810,659, G>C on the plus strand (C>G on the coding strand, the complement: HSPA1L is on the minus strand). VCF-style: chr6-31810659-G-C. GRCh37 (hg19) VCF-style: chr6-31778436-G-C.
Identifiers: ClinVar variation 3039314 (VCV003039314.2), dbSNP rs199726010, ClinGen allele CA3723929.

ClinVar aggregate classification (germline): Likely benign (0 of 4 stars; one submission).

Conditions:
HSPA1L-related disorder. Also called: HSPA1L-related condition.

Allele frequency attached by ClinVar (database versions not stated): ESP Exome Variant Server 0.00015; 1000 Genomes Project 30x 0.00016; 1000 Genomes Project 0.00020.

Submission:

PreventionGenetics, part of Exact Sciences
Classification: Likely benign for HSPA1L-related condition. Last evaluated: 2019-05-23. Review status: no assertion criteria provided. Collection method: clinical testing. Allele origin: germline.
Comment: This variant is classified as likely benign based on ACMG/AMP sequence variant interpretation guidelines (Richards et al. 2015 PMID: 25741868, with internal and published modifications).